The following is an entry in ClinVar:

NM_016628.5(WAC):c.1106C>G (p.Ala369Gly)

Gene: WAC (WW domain containing adaptor with coiled-coil; plus strand). Cytogenetic location: 10p12.1.
Variant type: single nucleotide variant.
Coding change: c.1106C>G on transcript NM_016628.5 (MANE Select); coding-DNA position 1106, C replaced by G.
Protein change: p.Ala369Gly; replaces alanine 369 with glycine.
Molecular consequence: missense variant.
Genome position (GRCh38, 1-based): chr10:28,608,372, C>G. VCF-style: chr10-28608372-C-G. GRCh37 (hg19) VCF-style: chr10-28897301-C-G.
Other names: c.971C>G, p.Ala324Gly (NM_100264.3); c.797C>G, p.Ala266Gly (NM_100486.4); short protein forms A266G, A324G, A369G.
Identifiers: ClinVar variation 3381720 (VCV003381720.1).

ClinVar aggregate classification (germline): Uncertain significance (1 of 4 stars; one submission).

Submission:

GeneDx
Classification: Uncertain significance. Last evaluated: 2024-05-21. Review status: criteria provided, single submitter. Criteria: GeneDx Variant Classification Process June 2021. Collection method: clinical testing. Allele origin: germline. Affected: yes.
Comment: Not observed at significant frequency in large population cohorts (gnomAD); In silico analysis indicates that this missense variant does not alter protein structure/function; Has not been previously published as pathogenic or benign to our knowledge